The following is an entry in ClinVar:

ClinVar aggregate classification (germline): Likely benign (0 of 4 stars; one submission).

Conditions:
KRT1-related disorder. Also called: KRT1-related condition.

Allele frequency attached by ClinVar (database versions not stated): gnomAD 0.00001; gnomAD exomes 0.00001; TOPMed 0.00001.

Submission:

PreventionGenetics, part of Exact Sciences
Classification: Likely benign for KRT1-related condition. Last evaluated: 2019-09-19. Review status: no assertion criteria provided. Collection method: clinical testing. Allele origin: germline.
Comment: This variant is classified as likely benign based on ACMG/AMP sequence variant interpretation guidelines (Richards et al. 2015 PMID: 25741868, with internal and published modifications).

NM_006121.4(KRT1):c.1782C>T (p.Gly594=)

Gene: KRT1 (keratin 1; minus strand). Cytogenetic location: 12q13.13.
Variant type: single nucleotide variant.
Coding change: c.1782C>T on transcript NM_006121.4 (MANE Select); coding-DNA position 1782, C replaced by T.
Protein change: p.Gly594=; no amino-acid change (glycine 594 retained).
Molecular consequence: synonymous variant.
Genome position (GRCh38, 1-based): chr12:52,675,346, G>A on the plus strand (C>T on the coding strand, the complement: KRT1 is on the minus strand). VCF-style: chr12-52675346-G-A. GRCh37 (hg19) VCF-style: chr12-53069130-G-A.
Identifiers: ClinVar variation 3040950 (VCV003040950.2), dbSNP rs1161223903, ClinGen allele CA480072941.
Genomic context (GRCh38, chr12:52,675,346, plus strand): 5'-TCCTATGGAGCCTCCAGAGCTCCCGCCGCCAGAGCCCCGGCCGCCAGAGCTGCCGCCGCC[G>A]CCGCCTCCAGAGCCACCTCTGTAGCCCCCACTGCTGCTTCCGGAGCCGTAGCTGCCATGG-3'
Protein context (NP_006112.3, residues 584-604): SGGYRGGSGG[Gly594=]GGGSSGGRGS